The following is an entry in ClinVar:

ClinVar aggregate classification (germline): Benign. Review status: criteria provided, multiple submitters, no conflicts (2 of 4 stars). 5 submissions from 5 submitters: Benign (4). 1 of the submissions does not count toward it. Last evaluated 2026-01-22.

Conditions:
KL-related disorder. Also called: KL-related condition.
Tumoral calcinosis, hyperphosphatemic, familial, 3. Identifiers: MedGen C4693864, MONDO:0060715, OMIM 617994.

Allele frequency attached by ClinVar (database versions not stated): TOPMed 0.00727; gnomAD 0.00798 and 0.00735; ESP Exome Variant Server 0.00844; gnomAD exomes 0.00928 and 0.01232; 1000 Genomes Project 0.00579; ExAC 0.01007; 1000 Genomes Project 30x 0.00547.
gnomAD v4.1: 19,141 of 1,611,698 alleles (1.2%); highest among the groups gnomAD compares: South Asian, 2.4%; 149 homozygotes.

Submissions (5):

Labcorp Genetics (formerly Invitae), Labcorp
Classification: Benign. Last evaluated: 2026-01-22. Review status: criteria provided, single submitter. Criteria: Invitae Variant Classification Sherloc (09022015). Collection method: clinical testing. Allele origin: germline.

Mayo Clinic Laboratories, Mayo Clinic
Classification: Benign. Last evaluated: 2025-08-22. Review status: criteria provided, single submitter. Criteria: ACMG Guidelines, 2015. Collection method: clinical testing. Allele origin: germline. Observed: 4 variant alleles.
Comment: BS1, BS2, BP4

Illumina Laboratory Services, Illumina
Classification: Benign for Tumoral calcinosis, hyperphosphatemic, familial, 3. Last evaluated: 2018-01-13. Review status: criteria provided, single submitter. Criteria: ICSL Variant Classification Criteria 13 December 2019. Collection method: clinical testing. Allele origin: germline.
Comment: This variant was observed in the ICSL laboratory as part of a predisposition screen in an ostensibly healthy population. It had not been previously curated by ICSL or reported in the Human Gene Mutation Database (HGMD: prior to June 1st, 2018), and was therefore a candidate for classification through an automated scoring system. Utilizing variant allele frequency, disease prevalence and penetrance estimates, and inheritance mode, an automated score was calculated to assess if this variant is too frequent to cause the disease. Based on the score and internal cut-off values, a variant classified as benign is not then subjected to further curation. The score for this variant resulted in a classification of benign for this disease.

Breakthrough Genomics
Classification: Benign. Review status: criteria provided, single submitter. Criteria: ACMG Guidelines, 2015. Collection method: not provided. Allele origin: germline. Inheritance: Autosomal recessive inheritance. Affected: yes.

PreventionGenetics, part of Exact Sciences
Classification: Benign for KL-related condition. Last evaluated: 2019-11-25. Review status: no assertion criteria provided. Collection method: clinical testing. Allele origin: germline. Not counted in ClinVar's aggregate classification.
Comment: This variant is classified as benign based on ACMG/AMP sequence variant interpretation guidelines (Richards et al. 2015 PMID: 25741868, with internal and published modifications).

NM_004795.4(KL):c.326T>G (p.Leu109Arg)

Gene: KL (klotho; plus strand). Cytogenetic location: 13q13.1.
Variant type: single nucleotide variant.
Coding change: c.326T>G on transcript NM_004795.4 (MANE Select); coding-DNA position 326, T replaced by G.
Protein change: p.Leu109Arg; replaces leucine 109 with arginine.
Molecular consequence: missense variant.
Genome position (GRCh38, 1-based): chr13:33,016,766, T>G. VCF-style: chr13-33016766-T-G. GRCh37 (hg19) VCF-style: chr13-33590904-T-G.
Other names: p.Leu109Arg; short protein forms L109R.
Identifiers: ClinVar variation 881810 (VCV000881810.15), dbSNP rs35239775, ClinGen allele CA6943873.
Genomic context (GRCh38, chr13:33,016,766, plus strand): 5'-TCTGGGATACGTTCACCCACCACCCCCTGGCACCCCCGGGAGACTCCCGGAACGCCAGTC[T>G]GCCGTTGGGCGCCCCGTCGCCGCTGCAGCCCGCCACCGGGGACGTAGCCAGCGACAGCTA-3'
Protein context (NP_004786.2, residues 99-119): APPGDSRNAS[Leu109Arg]PLGAPSPLQP